The following is an entry in ClinVar:

NM_002529.4(NTRK1):c.2047-16T>C

Gene: NTRK1 (neurotrophic receptor tyrosine kinase 1; plus strand). Cytogenetic location: 1q23.1.
Variant type: single nucleotide variant.
Coding change: c.2047-16T>C on transcript NM_002529.4 (MANE Select); 16 bases into the intron before coding-DNA position 2047, T replaced by C.
Molecular consequence: intron variant.
Genome position (GRCh38, 1-based): chr1:156,879,983, T>C. VCF-style: chr1-156879983-T-C. GRCh37 (hg19) VCF-style: chr1-156849775-T-C.
Other names: c.2047-16T>C (NM_002529.3); c.1939-16T>C (NM_001007792.1); c.2029-16T>C (NM_001012331.2).
Identifiers: ClinVar variation 138565 (VCV000138565.17), dbSNP rs12076232, ClinGen allele CA201197.

ClinVar aggregate classification (germline): Benign/Likely benign. Review status: criteria provided, multiple submitters, no conflicts (2 of 4 stars). 7 submissions from 7 submitters: Benign (6); Likely benign (1). Last evaluated 2026-02-04.

Conditions:
Hereditary insensitivity to pain with anhidrosis (CIPA). Also called: HSAN Type IV; NTRK1 Congenital Insensitivity to Pain with Anhidrosis; hereditary sensory and autonomic neuropathy type 4; FAMILIAL DYSAUTONOMIA, TYPE II; NEUROPATHY, CONGENITAL SENSORY, WITH ANHIDROSIS; INSENSITIVITY TO PAIN, CONGENITAL, WITH ANHIDROSIS. Identifiers: Orphanet 642, MedGen C0020074, MONDO:0009746, OMIM 256800.

Allele frequency attached by ClinVar (database versions not stated): gnomAD exomes 0.04814 and 0.05831; ExAC 0.06409; gnomAD 0.10198 and 0.10434; TOPMed 0.10905; ESP Exome Variant Server 0.11132; 1000 Genomes Project 0.12240; 1000 Genomes Project 30x 0.12804.
gnomAD v4.1: 86,342 of 1,611,716 alleles (5.4%); highest among the groups gnomAD compares: African/African-American, 26%; 4,624 homozygotes.

Submissions (7):

Labcorp Genetics (formerly Invitae), Labcorp
Classification: Benign for Hereditary insensitivity to pain with anhidrosis. Last evaluated: 2026-02-04. Review status: criteria provided, single submitter. Criteria: Invitae Variant Classification Sherloc (09022015). Collection method: clinical testing. Allele origin: germline.

Blueprint Genetics
Classification: Likely benign. Last evaluated: 2024-11-26. Review status: criteria provided, single submitter. Criteria: ACMG Guidelines, 2015. Collection method: clinical testing. Allele origin: germline.

KCCC/NGS Laboratory, Kuwait Cancer Control Center
Classification: Benign for Hereditary insensitivity to pain with anhidrosis. Last evaluated: 2023-07-07. Review status: criteria provided, single submitter. Criteria: ACMG Guidelines, 2015. Collection method: clinical testing. Allele origin: germline. Affected: yes.

Genome-Nilou Lab
Classification: Benign for Hereditary insensitivity to pain with anhidrosis. Last evaluated: 2021-07-01. Review status: criteria provided, single submitter. Criteria: ACMG Guidelines, 2015. Collection method: clinical testing. Allele origin: germline. Affected: no.

Eurofins Ntd Llc (ga)
Classification: Benign. Last evaluated: 2015-04-03. Review status: criteria provided, single submitter. Criteria: EGL Classification Definitions 2015. Collection method: clinical testing. Allele origin: germline. Observed: 1 variant allele, 1 heterozygote.

GeneDx
Classification: Benign. Last evaluated: 2013-12-11. Review status: criteria provided, single submitter. Criteria: GeneDx Variant Classification (06012015). Collection method: clinical testing. Allele origin: germline. Affected: yes.
Comment: This variant is considered likely benign or benign based on one or more of the following criteria: it is a conservative change, it occurs at a poorly conserved position in the protein, it is predicted to be benign by multiple in silico algorithms, and/or has population frequency not consistent with disease.

Breakthrough Genomics
Classification: Benign. Review status: criteria provided, single submitter. Criteria: ACMG Guidelines, 2015. Collection method: not provided. Allele origin: germline. Inheritance: Autosomal recessive inheritance. Affected: yes.